The following is an entry in ClinVar:

NM_004646.4(NPHS1):c.319G>A (p.Ala107Thr)

Gene: NPHS1 (NPHS1 adhesion molecule, nephrin; minus strand). Cytogenetic location: 19q13.12.
Variant type: single nucleotide variant.
Coding change: c.319G>A on transcript NM_004646.4 (MANE Select); coding-DNA position 319, G replaced by A.
Protein change: p.Ala107Thr; replaces alanine 107 with threonine.
Molecular consequence: missense variant.
Genome position (GRCh38, 1-based): chr19:35,851,340, C>T on the plus strand (G>A on the coding strand, the complement: NPHS1 is on the minus strand). VCF-style: chr19-35851340-C-T. GRCh37 (hg19) VCF-style: chr19-36342242-C-T.
Other names: short protein forms A107T.
Identifiers: ClinVar variation 56494 (VCV000056494.23), dbSNP rs386833933, ClinGen allele CA250221.
Genomic context (GRCh38, chr19:35,851,340, plus strand): 5'-CTCTGGGAGACACGAGCTCGGGCCCCATCTCAGAGCGGCCGACCTGGCACTCATACTCCG[C>T]GTCATCGCTGAGGTCACAGGCCTCGATGTGCAGGTGGAATTCACCTGCAGGGGGAGCCGG-3'
Protein context (NP_004637.1, residues 97-117): HIEACDLSDD[Ala107Thr]EYECQVGRSE

ClinVar aggregate classification (germline): Conflicting classifications of pathogenicity. Review status: criteria provided, conflicting classifications (1 of 4 stars). 9 submissions from 9 submitters: Likely pathogenic (6); Uncertain significance (2). 1 of the submissions does not count toward it. Last evaluated 2026-01-11.

Conditions:
NPHS1-related disorder. Also called: NPHS1-related condition.
Finnish congenital nephrotic syndrome (NPHS1). Also called: NEPHROTIC SYNDROME, TYPE 1. Identifiers: Orphanet 839, MedGen C0403399, MONDO:0009732, OMIM 256300.

Allele frequency attached by ClinVar (database versions not stated): TOPMed 0.00002; gnomAD exomes 0.00002 and 0.00003; ExAC 0.00002; gnomAD 0.00002; ESP Exome Variant Server 0.00008.
gnomAD v4.1: 50 of 1,613,644 alleles (0.0031%); highest among the groups gnomAD compares: Non-Finnish European, 0.0038%; no homozygotes.

Submissions (9):

Labcorp Genetics (formerly Invitae), Labcorp
Classification: Likely pathogenic. Last evaluated: 2026-01-11. Review status: criteria provided, single submitter. Criteria: Invitae Variant Classification Sherloc (09022015). Collection method: clinical testing. Allele origin: germline.
Comment: This sequence change replaces alanine, which is neutral and non-polar, with threonine, which is neutral and polar, at codon 107 of the NPHS1 protein (p.Ala107Thr). This variant is present in population databases (rs386833933, gnomAD 0.003%). This missense change has been observed in individual(s) with steroid-resistant nephrotic syndrome (PMID: 18614772, 25349199). In at least one individual the data is consistent with being in trans (on the opposite chromosome) from a pathogenic variant. ClinVar contains an entry for this variant (Variation ID: 56494). Invitae Evidence Modeling of protein sequence and biophysical properties (such as structural, functional, and spatial information, amino acid conservation, physicochemical variation, residue mobility, and thermodynamic stability) has been performed for this missense variant. However, the output from this modeling did not meet the statistical confidence thresholds required to predict the impact of this variant on NPHS1 protein function. Experimental studies have shown that this missense change does not substantially affect NPHS1 function (PMID: 18614772). This variant disrupts the p.Ala107 amino acid residue in NPHS1. Other variant(s) that disrupt this residue have been observed in individuals with NPHS1-related conditions (PMID: 20172850, 20798252), which suggests that this may be a clinically significant amino acid residue. In summary, the currently available evidence indicates that the variant is pathogenic, but additional data are needed to prove that conclusively. Therefore, this variant has been classified as Likely Pathogenic.

Natera, Inc.
Classification: Likely pathogenic for Finnish congenital nephrotic syndrome. Last evaluated: 2025-11-24. Review status: criteria provided, single submitter. Criteria: Natera Variant Classification Schema (03/2026). Collection method: clinical testing. Allele origin: germline.
Comment: The c.319G>A variant in NPHS1 is a missense variant predicted to cause substitution of alanine to threonine at amino acid 107. This variant is rare in the general population with a frequency below the threshold expected for the associated phenotype(s). This variant has been observed in one or more individuals affected with the associated recessive disease, as either homozygous or compound heterozygous with a second variant (PMID: 18614772). A different variant at the same position has been determined to be Pathogenic or Likely Pathogenic. Computational prediction algorithms indicate this variant is likely to affect gene or protein function. Given the available evidence, this variant is classified as Likely Pathogenic.

Genomic Medicine Center of Excellence, King Faisal Specialist Hospital and Research Centre
Classification: Likely pathogenic for Finnish congenital nephrotic syndrome. Last evaluated: 2025-09-10. Review status: criteria provided, single submitter. Criteria: ACMG Guidelines, 2015. Collection method: clinical testing. Allele origin: germline.

Blueprint Genetics
Classification: Likely pathogenic for NPHS1-related disorders. Last evaluated: 2024-05-10. Review status: criteria provided, single submitter. Criteria: ACMG Guidelines, 2015. Collection method: clinical testing. Allele origin: germline. Affected: yes. Observed: 5 variant alleles.

Women's Health and Genetics/Laboratory Corporation of America, LabCorp
Classification: Uncertain significance. Last evaluated: 2023-08-15. Review status: criteria provided, single submitter. Criteria: LabCorp Variant Classification Summary - May 2015. Collection method: clinical testing. Allele origin: germline.
Comment: Variant summary: NPHS1 c.319G>A (p.Ala107Thr) results in a non-conservative amino acid change located in the Immunoglobulin subtype 2 (IPR003598) of the encoded protein sequence. Three of five in-silico tools predict a damaging effect of the variant on protein function. The variant allele was found at a frequency of 1.6e-05 in 249074 control chromosomes (gnomAD). c.319G>A has been reported in the literature in individuals affected with Nephrotic Syndrome, Type 1, (Philippe_2008, Sadowski_2015), and one was reported as compound heterozygous with a (likely) pathogenic variant. These data indicate that the variant may be associated with disease. To our knowledge, no experimental evidence demonstrating an impact on protein function has been reported. The following publications have been ascertained in the context of this evaluation (PMID: 18614772, 25349199). Three submitters have cited clinical-significance assessments for this variant to ClinVar after 2014, and classified it as uncertain significance (n=2) or likely pathogenic (n=1). Based on the evidence outlined above, the variant was classified as VUS-possibly pathogenic.

Myriad Genetics, Inc.
Classification: Uncertain significance for Finnish congenital nephrotic syndrome. Last evaluated: 2021-11-03. Review status: criteria provided, single submitter. Criteria: Myriad Women's Health Autosomal Recessive and X-Linked Classification Criteria (2021). Collection method: clinical testing. Allele origin: unknown.
Comment: NM_004646.3(NPHS1):c.319G>A(A107T) is a missense variant classified as a variant of uncertain significance in the context of nephrotic syndrome, NPHS1-related. A107T has been observed in cases with relevant disease (PMID: 18614772, 20507940, 25349199). Functional assessments of this variant are available in the literature (PMID: 18614772). A107T has been observed in population frequency databases (gnomAD: OTH 0.02%). In summary, there is insufficient evidence to classify NM_004646.3(NPHS1):c.319G>A(A107T) as pathogenic or benign. Please note: this variant was assessed in the context of healthy population screening.

Genomic Research Center, Shahid Beheshti University of Medical Sciences
Classification: Likely pathogenic. Last evaluated: 2020-05-03. Review status: criteria provided, single submitter. Criteria: ACMG Guidelines, 2015. Collection method: clinical testing. Allele origin: unknown. Affected: no.

Genomics England Pilot Project, Genomics England
Classification: Likely pathogenic for Finnish congenital nephrotic syndrome. Review status: criteria provided, single submitter. Criteria: ACGS Guidelines, 2016. Collection method: clinical testing. Allele origin: germline. Affected: yes.

Juha Muilu Group; Institute for Molecular Medicine Finland (FIMM)
Classification: Likely pathogenic for Finnish congenital nephrotic syndrome. Review status: no assertion criteria provided. Collection method: not provided. Allele origin: unknown. Not counted in ClinVar's aggregate classification.
Comment: FinDis database variant: FinDis database variant: This variant was not found or characterized by our laboratory, data were collected from public sources: see reference
ClinVar note: Converted during submission from probable-pathogenic to Likely pathogenic.

Literature cited by the submitters: PubMed 18614772 (cited by 4 submitters); PubMed 25349199 (cited by 3 submitters); PubMed 20172850 (cited by Labcorp Genetics (formerly Invitae), Labcorp); PubMed 20798252 (cited by Labcorp Genetics (formerly Invitae), Labcorp); PubMed 20507940 (cited by Myriad Genetics, Inc.).